The following is an entry in ClinVar:

ClinVar aggregate classification (germline): Benign. Review status: criteria provided, multiple submitters, no conflicts (2 of 4 stars). 5 submissions from 5 submitters: Benign (5). Last evaluated 2026-02-04.

Allele frequency attached by ClinVar (database versions not stated): ExAC 0.06809; 1000 Genomes Project 30x 0.10634; 1000 Genomes Project 0.11182; ESP Exome Variant Server 0.03545; TOPMed 0.04477; gnomAD 0.03746 and 0.04553; gnomAD exomes 0.04439 and 0.06672.
gnomAD v4.1: 72,781 of 1,614,052 alleles (4.5%); highest among the groups gnomAD compares: East Asian, 20%; 3,760 homozygotes.

Submissions (5):

Labcorp Genetics (formerly Invitae), Labcorp
Classification: Benign. Last evaluated: 2026-02-04. Review status: criteria provided, single submitter. Criteria: Invitae Variant Classification Sherloc (09022015). Collection method: clinical testing. Allele origin: germline.

Dasa
Classification: Benign. Last evaluated: 2025-11-20. Review status: criteria provided, single submitter. Criteria: DASA Assertion Criteria. Collection method: clinical testing. Allele origin: germline.
Comment: NM_001267727.2(ARSG):c.1154G>A (p.Arg385His) is a missense variant that results in the substitution of arginine with histidine. Population frequency is inconsistent with a disease-causing role for this variant, and observations in unaffected individuals support a benign interpretation. Computational prediction algorithms are consistent with a benign effect. Therefore, based on the currently available evidence, this variant is classified as benign.

Mayo Clinic Laboratories, Mayo Clinic
Classification: Benign. Last evaluated: 2022-11-10. Review status: criteria provided, single submitter. Criteria: ACMG Guidelines, 2015. Collection method: clinical testing. Allele origin: germline. Observed: 5 variant alleles.

GeneDx
Classification: Benign. Last evaluated: 2021-05-05. Review status: criteria provided, single submitter. Criteria: GeneDx Variant Classification Process June 2021. Collection method: clinical testing. Allele origin: germline. Affected: yes.

Breakthrough Genomics
Classification: Benign. Review status: criteria provided, single submitter. Criteria: ACMG Guidelines, 2015. Collection method: not provided. Allele origin: germline. Inheritance: Autosomal recessive inheritance. Affected: yes.

NM_001267727.2(ARSG):c.1154G>A (p.Arg385His)

Gene: ARSG (arylsulfatase G; plus strand). Cytogenetic location: 17q24.2.
Variant type: single nucleotide variant.
Coding change: c.1154G>A on transcript NM_001267727.2 (MANE Select); coding-DNA position 1154, G replaced by A.
Protein change: p.Arg385His; replaces arginine 385 with histidine.
Molecular consequence: missense variant.
Genome position (GRCh38, 1-based): chr17:68,395,135, G>A. VCF-style: chr17-68395135-G-A. GRCh37 (hg19) VCF-style: chr17-66391276-G-A.
Other names: p.Arg385His; c.1154G>A, p.Arg385His (NM_001352899.2, NM_001352900.2, NM_001352901.2 and 3 more transcripts); c.1151G>A, p.Arg384His (NM_001352903.2, NM_001352904.2, NM_001352905.2 and 2 more transcripts); c.1106G>A, p.Arg369His (NM_001352909.2); short protein forms R369H, R384H, R385H.
Identifiers: ClinVar variation 1166872 (VCV001166872.15), dbSNP rs9972951, ClinGen allele CA8728501.